The following is an entry in ClinVar:

NM_004104.5(FASN):c.5260C>A (p.Gln1754Lys)

Gene: FASN (fatty acid synthase; minus strand). Cytogenetic location: 17q25.3.
Variant type: single nucleotide variant.
Coding change: c.5260C>A on transcript NM_004104.5 (MANE Select); coding-DNA position 5260, C replaced by A.
Protein change: p.Gln1754Lys; replaces glutamine 1754 with lysine.
Molecular consequence: missense variant.
Genome position (GRCh38, 1-based): chr17:82,083,598, G>T on the plus strand (C>A on the coding strand, the complement: FASN is on the minus strand). VCF-style: chr17-82083598-G-T. GRCh37 (hg19) VCF-style: chr17-80041474-G-T.
Other names: short protein forms Q1754K.
Identifiers: ClinVar variation 1013835 (VCV001013835.8), dbSNP rs2034031385, ClinGen allele CA401539780.

ClinVar aggregate classification (germline): Uncertain significance (1 of 4 stars; one submission).

Conditions:
Epileptic encephalopathy. Identifiers: MedGen C0543888, HP:0200134.

Allele frequency attached by ClinVar (database versions not stated): gnomAD exomes below 0.00001.
gnomAD v4.1: 3 of 1,611,978 alleles (0.00019%); highest among the groups gnomAD compares: Non-Finnish European, 0.00025%; no homozygotes.

Submission:

Labcorp Genetics (formerly Invitae), Labcorp
Classification: Uncertain significance for Epileptic encephalopathy. Last evaluated: 2020-10-25. Review status: criteria provided, single submitter. Criteria: Invitae Variant Classification Sherloc (09022015). Collection method: clinical testing. Allele origin: germline.
Comment: This sequence change replaces glutamine with lysine at codon 1754 of the FASN protein (p.Gln1754Lys). The glutamine residue is highly conserved and there is a small physicochemical difference between glutamine and lysine. This variant is not present in population databases (ExAC no frequency). This variant has not been reported in the literature in individuals with FASN-related conditions. Algorithms developed to predict the effect of missense changes on protein structure and function are either unavailable or do not agree on the potential impact of this missense change (SIFT: "Tolerated"; PolyPhen-2: "Probably Damaging"; Align-GVGD: "Class C0"). In summary, the available evidence is currently insufficient to determine the role of this variant in disease. Therefore, it has been classified as a Variant of Uncertain Significance.